The following is an entry in ClinVar:

ClinVar aggregate classification (germline): Benign (1 of 4 stars; one submission).

Conditions:
X-linked lymphoproliferative disease due to SH2D1A deficiency (XLP1). Also called: EBV infection severe susceptibility to; Epstein Barr virus infection familial fatal; Duncan's syndrome; DUNCAN DISEASE; IMMUNODEFICIENCY 5; IMMUNODEFICIENCY, X-LINKED PROGRESSIVE COMBINED VARIABLE. Identifiers: Orphanet 2442, Orphanet 538931, MedGen C5399825, MONDO:0024551, OMIM 308240.

Allele frequency attached by ClinVar (database versions not stated): gnomAD exomes 0.00175; 1000 Genomes Project 0.00556; gnomAD 0.00849 and 0.00923; TOPMed 0.00977.
gnomAD v4.1: 1,043 of 170,407 alleles (0.61%); highest among the groups gnomAD compares: African/African-American, 2.9%; 13 homozygotes.

Submission:

Illumina Laboratory Services, Illumina
Classification: Benign for X-linked lymphoproliferative disease due to SH2D1A deficiency. Last evaluated: 2018-01-12. Review status: criteria provided, single submitter. Criteria: ICSL Variant Classification Criteria 13 December 2019. Collection method: clinical testing. Allele origin: germline.
Comment: This variant was observed in the ICSL laboratory as part of a predisposition screen in an ostensibly healthy population. It had not been previously curated by ICSL or reported in the Human Gene Mutation Database (HGMD: prior to June 1st, 2018), and was therefore a candidate for classification through an automated scoring system. Utilizing variant allele frequency, disease prevalence and penetrance estimates, and inheritance mode, an automated score was calculated to assess if this variant is too frequent to cause the disease. Based on the score and internal cut-off values, a variant classified as benign is not then subjected to further curation. The score for this variant resulted in a classification of benign for this disease.

NM_002351.5(SH2D1A):c.*1100C>A

Gene: SH2D1A (SH2 domain containing 1A; plus strand). Cytogenetic location: Xq25.
Variant type: single nucleotide variant.
Coding change: c.*1100C>A on transcript NM_002351.5 (MANE Select); 1100 bases downstream of the stop codon, C replaced by A.
Molecular consequence: 3 prime UTR variant.
Genome position (GRCh38, 1-based): chrX:124,372,491, C>A. VCF-style: chrX-124372491-C-A. GRCh37 (hg19) VCF-style: chrX-123506341-C-A.
Other names: c.*1100C>A (NM_001114937.3).
Identifiers: ClinVar variation 367884 (VCV000367884.5), dbSNP rs141513491, ClinGen allele CA10651684.
Genomic context (GRCh38, chrX:124,372,491, plus strand): 5'-ACCTGGTCCCTGCTCTCAGTTCACTGTCTTGTTGGACGAGAAAACAATAACGATAAAAGA[C>A]AGTGAAAGAAAATAACGATAAAAGACAGTGAAAGAAAATAACAATAAAAGACAAGGAAAA-3'